The following is an entry in ClinVar:

NM_145260.3(OSR1):c.654G>A (p.Leu218=)

Gene: OSR1 (odd-skipped related transcription factor 1; minus strand). Cytogenetic location: 2p24.1.
Variant type: single nucleotide variant.
Coding change: c.654G>A on transcript NM_145260.3 (MANE Select); coding-DNA position 654, G replaced by A.
Protein change: p.Leu218=; no amino-acid change (leucine 218 retained).
Molecular consequence: synonymous variant.
Genome position (GRCh38, 1-based): chr2:19,353,152, C>T on the plus strand (G>A on the coding strand, the complement: OSR1 is on the minus strand). VCF-style: chr2-19353152-C-T. GRCh37 (hg19) VCF-style: chr2-19552913-C-T.
Identifiers: ClinVar variation 1227593 (VCV001227593.4), dbSNP rs12329305, ClinGen allele CA1542337.

ClinVar aggregate classification (germline): Benign. Review status: criteria provided, multiple submitters, no conflicts (2 of 4 stars). 2 submissions from 2 submitters: Benign (2). Last evaluated 2021-06-10.

Allele frequency attached by ClinVar (database versions not stated): 1000 Genomes Project 0.09485; 1000 Genomes Project 30x 0.09931; TOPMed 0.11529; ESP Exome Variant Server 0.12102.
gnomAD v4.1: 82,175 of 1,613,510 alleles (5.1%); highest among the groups gnomAD compares: African/African-American, 28%; 4,467 homozygotes.

Submissions (2):

GeneDx
Classification: Benign. Last evaluated: 2021-06-10. Review status: criteria provided, single submitter. Criteria: GeneDx Variant Classification Process June 2021. Collection method: clinical testing. Allele origin: germline. Affected: yes.
Comment: This variant is associated with the following publications: (PMID: 25164089, 21821672)

Breakthrough Genomics
Classification: Benign. Review status: criteria provided, single submitter. Criteria: ACMG Guidelines, 2015. Collection method: not provided. Allele origin: germline. Inheritance: Unknown mechanism. Affected: yes.